The following is an entry in ClinVar:

ClinVar aggregate classification (germline): other (0 of 4 stars; one submission).

Conditions:
Familial colorectal cancer. Identifiers: MedGen CN280943, MONDO:0023113. Disease mechanism: loss of function.

Submission:

Systems Biology Platform Zhejiang California International NanoSystems Institute
Classification: other for Familial colorectal cancer. Review status: no assertion criteria provided. Collection method: not provided. Allele origin: unknown.
ClinVar note: Converted during submission from cancer to other.

NM_000038.6(APC):c.729+1530T>A

Gene: APC (APC regulator of WNT signaling pathway; plus strand). Cytogenetic location: 5q22.2.
Variant type: single nucleotide variant.
Coding change: c.729+1530T>A on transcript NM_000038.6 (MANE Select); 1530 bases into the intron after coding-DNA position 729, T replaced by A.
Molecular consequence: intron variant.
Genome position (GRCh38, 1-based): chr5:112,794,059, T>A. VCF-style: chr5-112794059-T-A. GRCh37 (hg19) VCF-style: chr5-112129756-T-A.
Other names: c.729+1530T>A (NM_001354895.2, NM_001127510.3, NM_001354896.2 and 1 more transcripts); c.759+1530T>A (NM_001354897.2, NM_001354902.2); c.676-7220T>A (NM_001127511.3); c.654+1530T>A (NM_001354898.2, NM_001354904.2); c.-307+1530T>A (NM_001354906.2); c.646-7220T>A (NM_001354899.2); c.552+1530T>A (NM_001354900.2, NM_001354901.2, NM_001354905.2).
Identifiers: ClinVar variation 82485 (VCV000082485.2), dbSNP rs77524587, ClinGen allele CA013023.